The following is an entry in ClinVar:

ClinVar aggregate classification (germline): Uncertain significance (1 of 4 stars; one submission).

Allele frequency attached by ClinVar (database versions not stated): gnomAD 0.00001.
gnomAD v4.1: 8 of 1,610,162 alleles (0.0005%); highest among the groups gnomAD compares: South Asian, 0.0088%; no homozygotes.

Submission:

GeneDx
Classification: Uncertain significance. Last evaluated: 2022-03-01. Review status: criteria provided, single submitter. Criteria: GeneDx Variant Classification Process June 2021. Collection method: clinical testing. Allele origin: germline. Affected: yes.
Comment: Not observed at significant frequency in large population cohorts (gnomAD); In silico analysis supports that this missense variant does not alter protein structure/function; Has not been previously published as pathogenic or benign to our knowledge

NM_016239.4(MYO15A):c.32C>A (p.Ala11Asp)

Gene: MYO15A (myosin XVA; plus strand). Cytogenetic location: 17p11.2.
Variant type: single nucleotide variant.
Coding change: c.32C>A on transcript NM_016239.4 (MANE Select); coding-DNA position 32, C replaced by A.
Protein change: p.Ala11Asp; replaces alanine 11 with aspartic acid.
Molecular consequence: missense variant.
Genome position (GRCh38, 1-based): chr17:18,118,832, C>A. VCF-style: chr17-18118832-C-A. GRCh37 (hg19) VCF-style: chr17-18022146-C-A.
Other names: short protein forms A11D.
Identifiers: ClinVar variation 1704060 (VCV001704060.2), dbSNP rs1264271225, ClinGen allele CA398589264.
Genomic context (GRCh38, chr17:18,118,832, plus strand): 5'-CCAGGCCCTGTAGAGAGCAGGCAGCCACCATGGCGAAGGAGGAAGATGAGGAGAAGAAAG[C>A]CAAGAAAGGGAAGAAGGGGAAGAAGGCACCGGAGCCGGAGAAGCCCAAACGGAGCCTGAA-3'
Protein context (NP_057323.3, residues 1-21): MAKEEDEEKK[Ala11Asp]KKGKKGKKAP